The following is an entry in ClinVar:

ClinVar aggregate classification (germline): Uncertain significance (1 of 4 stars; one submission).

Allele frequency attached by ClinVar (database versions not stated): TOPMed below 0.00001.
gnomAD v4.1: 2 of 1,613,310 alleles (0.00012%); highest among the groups gnomAD compares: Non-Finnish European, 0.00017%; no homozygotes.

Submission:

GeneDx
Classification: Uncertain significance. Last evaluated: 2021-06-18. Review status: criteria provided, single submitter. Criteria: GeneDx Variant Classification Process June 2021. Collection method: clinical testing. Allele origin: germline. Affected: yes.
Comment: Not observed at significant frequency in large population cohorts (Lek et al., 2016); In silico analysis supports that this missense variant does not alter protein structure/function; Has not been previously published as pathogenic or benign to our knowledge; This variant is associated with the following publications: (PMID: 27535533)

NM_206937.2(LIG4):c.2672A>G (p.Glu891Gly)

Gene: LIG4 (DNA ligase 4; minus strand). Cytogenetic location: 13q33.3.
Variant type: single nucleotide variant.
Coding change: c.2672A>G on transcript NM_206937.2 (MANE Select); coding-DNA position 2672, A replaced by G.
Protein change: p.Glu891Gly; replaces glutamic acid 891 with glycine.
Molecular consequence: missense variant.
Genome position (GRCh38, 1-based): chr13:108,208,597, T>C on the plus strand (A>G on the coding strand, the complement: LIG4 is on the minus strand). VCF-style: chr13-108208597-T-C. GRCh37 (hg19) VCF-style: chr13-108860945-T-C.
Other names: c.2672A>G, p.Glu891Gly (NM_001098268.2, NM_001352598.2, NM_001352599.2 and 6 more transcripts); c.2471A>G, p.Glu824Gly (NM_001330595.2); c.2708A>G, p.Glu903Gly (NM_001352604.2); short protein forms E824G, E891G, E903G.
Identifiers: ClinVar variation 1328695 (VCV001328695.2), dbSNP rs1429985847, ClinGen allele CA388610381.